The following is an entry in ClinVar:

ClinVar aggregate classification (germline): Likely pathogenic (0 of 4 stars; one submission).

Conditions:
Colorectal cancer. Also called: Colorectal cancer, somatic; Malignant Colorectal Neoplasm. Identifiers: MedGen C0346629, MONDO:0005575, OMIM 114500.

Allele frequency attached by ClinVar (database versions not stated): 1000 Genomes Project 30x 0.00016.
gnomAD v4.1: 205 of 1,612,522 alleles (0.013%); highest among the groups gnomAD compares: Non-Finnish European, 0.016%; no homozygotes.

Submission:

Division of Gastroenterology and Hepatology, Shanghai Institute of Digestive Disease, Shanghai Jiao Tong University School of Medicine.
Classification: Likely pathogenic for Colorectal cancer. Last evaluated: 2021-07-19. Review status: no assertion criteria provided. Collection method: research. Allele origin: germline. Inheritance: Autosomal dominant inheritance. Affected: yes. Observed: 1 variant allele, 1 heterozygote.
Comment: The Gly652Arg variant in BRF1 has been reported in 1 Chinese family with autosomal dominant predisposition in familial colorectal cancer (CRC).

NM_001519.4(BRF1):c.1954G>A (p.Gly652Arg)

Gene: BRF1 (BRF1 general transcription factor IIIB subunit; minus strand). Cytogenetic location: 14q32.33.
Variant type: single nucleotide variant.
Coding change: c.1954G>A on transcript NM_001519.4 (MANE Select); coding-DNA position 1954, G replaced by A.
Protein change: p.Gly652Arg; replaces glycine 652 with arginine.
Molecular consequence: missense variant.
Genome position (GRCh38, 1-based): chr14:105,211,164, C>T on the plus strand (G>A on the coding strand, the complement: BRF1 is on the minus strand). VCF-style: chr14-105211164-C-T. GRCh37 (hg19) VCF-style: chr14-105677501-C-T.
Other names: c.1675G>A, p.Gly559Arg (NM_001242786.2); c.1609G>A, p.Gly537Arg (NM_001242787.2); c.1873G>A, p.Gly625Arg (NM_001242788.2); c.1240G>A, p.Gly414Arg (NM_001242789.2); c.1342G>A, p.Gly448Arg (NM_145685.3); short protein forms G414R, G448R, G537R, G559R, G625R, G652R.
Identifiers: ClinVar variation 1180555 (VCV001180555.2), dbSNP rs202049411, ClinGen allele CA7386900.